The following is an entry in ClinVar:

ClinVar aggregate classification (germline): Uncertain significance. Review status: criteria provided, multiple submitters, no conflicts (2 of 4 stars). 2 submissions from 2 submitters: Uncertain significance (2). Last evaluated 2024-10-02.

Conditions:
Myofibrillar myopathy 3 (MFM3). Also called: Autosomal dominant spheroid body myopathy; Muscular dystrophy, proximal, type 1A. Identifiers: Orphanet 266, Orphanet 268129, MedGen C3714934, MONDO:0012215, OMIM 609200.

Allele frequency attached by ClinVar (database versions not stated): gnomAD 0.00003.
gnomAD v4.1: 34 of 1,606,104 alleles (0.0021%); highest among the groups gnomAD compares: Non-Finnish European, 0.0027%; no homozygotes.

Submissions (2):

Revvity Omics, Revvity
Classification: Uncertain significance for Myofibrillar myopathy 3. Last evaluated: 2024-10-02. Review status: criteria provided, single submitter. Criteria: ACMG Guidelines, 2015. Collection method: clinical testing. Allele origin: germline.

Labcorp Genetics (formerly Invitae), Labcorp
Classification: Uncertain significance for Myofibrillar myopathy 3. Last evaluated: 2023-06-24. Review status: criteria provided, single submitter. Criteria: Invitae Variant Classification Sherloc (09022015). Collection method: clinical testing. Allele origin: germline.
Comment: This variant has not been reported in the literature in individuals affected with MYOT-related conditions. This variant is present in population databases (rs768353951, gnomAD 0.003%). This sequence change replaces glutamine, which is neutral and polar, with leucine, which is neutral and non-polar, at codon 226 of the MYOT protein (p.Gln226Leu). An algorithm developed to predict the effect of missense changes on protein structure and function (PolyPhen-2) suggests that this variant is likely to be tolerated. In summary, the available evidence is currently insufficient to determine the role of this variant in disease. Therefore, it has been classified as a Variant of Uncertain Significance. Algorithms developed to predict the effect of sequence changes on RNA splicing suggest that this variant may disrupt the consensus splice site.

NM_006790.3(MYOT):c.677A>T (p.Gln226Leu)

Genes: PKD2L2-DT (PKD2L2 divergent transcript; minus strand), MYOT (myotilin; plus strand). Cytogenetic location: 5q31.2.
Variant type: single nucleotide variant.
Coding change: c.677A>T on transcript NM_006790.3 (MANE Select); coding-DNA position 677, A replaced by T.
Protein change: p.Gln226Leu; replaces glutamine 226 with leucine.
Molecular consequence: missense variant.
Genome position (GRCh38, 1-based): chr5:137,880,859, A>T. VCF-style: chr5-137880859-A-T. GRCh37 (hg19) VCF-style: chr5-137216548-A-T.
Other names: c.125A>T, p.Gln42Leu (NM_001135940.2); c.332A>T, p.Gln111Leu (NM_001300911.2); short protein forms Q42L, Q111L, Q226L.
Identifiers: ClinVar variation 2784360 (VCV002784360.4), dbSNP rs768353951, ClinGen allele CA3423004.